The following is an entry in ClinVar:

ClinVar aggregate classification (germline): Uncertain significance (1 of 4 stars; one submission).

Conditions:
Myopathy, proximal, and ophthalmoplegia (CMYO6). Also called: MYOPATHY WITH CONGENITAL JOINT CONTRACTURES, OPHTHALMOPLEGIA, AND RIMMED VACUOLES; CONGENITAL MYOPATHY 6 WITH OPHTHALMOPLEGIA; INCLUSION BODY MYOPATHY 3, AUTOSOMAL DOMINANT. Identifiers: Orphanet 363677, Orphanet 79091, MedGen C1854106, MONDO:0011577, OMIM 605637.

Allele frequency attached by ClinVar (database versions not stated): gnomAD exomes below 0.00001 and 0.00001; TOPMed below 0.00001; ExAC 0.00001; gnomAD 0.00001; 1000 Genomes Project 30x 0.00016; 1000 Genomes Project 0.00020.

Submission:

Labcorp Genetics (formerly Invitae), Labcorp
Classification: Uncertain significance for Myopathy, proximal, and ophthalmoplegia. Last evaluated: 2023-02-16. Review status: criteria provided, single submitter. Criteria: Invitae Variant Classification Sherloc (09022015). Collection method: clinical testing. Allele origin: germline.
Comment: This variant has not been reported in the literature in individuals affected with MYH2-related conditions. ClinVar contains an entry for this variant (Variation ID: 938708). Advanced modeling of protein sequence and biophysical properties (such as structural, functional, and spatial information, amino acid conservation, physicochemical variation, residue mobility, and thermodynamic stability) performed at Invitae indicates that this missense variant is not expected to disrupt MYH2 protein function. In summary, the available evidence is currently insufficient to determine the role of this variant in disease. Therefore, it has been classified as a Variant of Uncertain Significance. This variant is present in population databases (rs572874607, gnomAD 0.003%). This sequence change replaces methionine, which is neutral and non-polar, with valine, which is neutral and non-polar, at codon 1788 of the MYH2 protein (p.Met1788Val).

NM_017534.6(MYH2):c.5362A>G (p.Met1788Val)

Genes: MYHAS (myosin heavy chain gene cluster antisense RNA; plus strand), MYH2 (myosin heavy chain 2; minus strand). Cytogenetic location: 17p13.1.
Variant type: single nucleotide variant.
Coding change: c.5362A>G on transcript NM_017534.6 (MANE Select); coding-DNA position 5362, A replaced by G.
Protein change: p.Met1788Val; replaces methionine 1788 with valine.
Molecular consequence: missense variant.
Genome position (GRCh38, 1-based): chr17:10,523,606, T>C on the plus strand (A>G on the coding strand, the complement: MYH2 is on the minus strand). VCF-style: chr17-10523606-T-C. GRCh37 (hg19) VCF-style: chr17-10426923-T-C.
Other names: c.5362A>G, p.Met1788Val (NM_001100112.2); short protein forms M1788V.
Identifiers: ClinVar variation 938708 (VCV000938708.7), dbSNP rs572874607, ClinGen allele CA8390412.